The following is an entry in ClinVar:

NM_014797.3(ZBTB24):c.1340G>A (p.Ser447Asn)

Gene: ZBTB24 (zinc finger and BTB domain containing 24; minus strand). Cytogenetic location: 6q21.
Variant type: single nucleotide variant.
Coding change: c.1340G>A on transcript NM_014797.3 (MANE Select); coding-DNA position 1340, G replaced by A.
Protein change: p.Ser447Asn; replaces serine 447 with asparagine.
Molecular consequence: missense variant.
Genome position (GRCh38, 1-based): chr6:109,467,683, C>T on the plus strand (G>A on the coding strand, the complement: ZBTB24 is on the minus strand). VCF-style: chr6-109467683-C-T. GRCh37 (hg19) VCF-style: chr6-109788886-C-T.
Other names: short protein forms S447N.
Identifiers: ClinVar variation 2110136 (VCV002110136.1), dbSNP rs762206582, ClinGen allele CA3954097.

ClinVar aggregate classification (germline): Uncertain significance (1 of 4 stars; one submission).

Conditions:
Immunodeficiency-centromeric instability-facial anomalies syndrome 2 (ICF2). Identifiers: Orphanet 2268, MedGen C3279748, MONDO:0013553, OMIM 614069.

Allele frequency attached by ClinVar (database versions not stated): gnomAD 0.00001; gnomAD exomes 0.00001; TOPMed 0.00001; ExAC 0.00002.
gnomAD v4.1: 14 of 1,613,908 alleles (0.00087%); highest among the groups gnomAD compares: South Asian, 0.012%; no homozygotes.

Submission:

Labcorp Genetics (formerly Invitae), Labcorp
Classification: Uncertain significance for Immunodeficiency-centromeric instability-facial anomalies syndrome 2. Last evaluated: 2022-07-29. Review status: criteria provided, single submitter. Criteria: Invitae Variant Classification Sherloc (09022015). Collection method: clinical testing. Allele origin: germline.
Comment: This sequence change replaces serine, which is neutral and polar, with asparagine, which is neutral and polar, at codon 447 of the ZBTB24 protein (p.Ser447Asn). This variant is present in population databases (rs762206582, gnomAD 0.01%). This variant has not been reported in the literature in individuals affected with ZBTB24-related conditions. Algorithms developed to predict the effect of missense changes on protein structure and function are either unavailable or do not agree on the potential impact of this missense change (SIFT: "Not Available"; PolyPhen-2: "Possibly Damaging"; Align-GVGD: "Not Available"). In summary, the available evidence is currently insufficient to determine the role of this variant in disease. Therefore, it has been classified as a Variant of Uncertain Significance.